The following is an entry in ClinVar:

ClinVar aggregate classification (germline): Uncertain significance (1 of 4 stars; one submission).

Submission:

Labcorp Genetics (formerly Invitae), Labcorp
Classification: Uncertain significance. Last evaluated: 2021-10-29. Review status: criteria provided, single submitter. Criteria: Invitae Variant Classification Sherloc (09022015). Collection method: clinical testing. Allele origin: germline.
Comment: In summary, the available evidence is currently insufficient to determine the role of this variant in disease. Therefore, it has been classified as a Variant of Uncertain Significance. Algorithms developed to predict the effect of missense changes on protein structure and function output the following: SIFT: "Tolerated"; PolyPhen-2: "Benign"; Align-GVGD: "Class C0". The phenylalanine amino acid residue is found in multiple mammalian species, which suggests that this missense change does not adversely affect protein function. This variant has not been reported in the literature in individuals affected with ITGAM-related conditions. This variant is not present in population databases (gnomAD no frequency). This sequence change replaces serine, which is neutral and polar, with phenylalanine, which is neutral and non-polar, at codon 887 of the ITGAM protein (p.Ser887Phe).

NM_000632.4(ITGAM):c.2660C>T (p.Ser887Phe)

Gene: ITGAM (integrin subunit alpha M; plus strand). Cytogenetic location: 16p11.2.
Variant type: single nucleotide variant.
Coding change: c.2660C>T on transcript NM_000632.4 (MANE Select); coding-DNA position 2660, C replaced by T.
Protein change: p.Ser887Phe; replaces serine 887 with phenylalanine.
Molecular consequence: missense variant.
Genome position (GRCh38, 1-based): chr16:31,326,887, C>T. VCF-style: chr16-31326887-C-T. GRCh37 (hg19) VCF-style: chr16-31338208-C-T.
Other names: c.2663C>T, p.Ser888Phe (NM_001145808.2); short protein forms S888F, S887F.
Identifiers: ClinVar variation 1390109 (VCV001390109.6), dbSNP rs2144498427, ClinGen allele CA395695166.